The following is an entry in ClinVar:

ClinVar aggregate classification (germline): Uncertain significance (1 of 4 stars; one submission).

gnomAD v4.1: 1 of 1,614,164 alleles (0.000062%); highest among the groups gnomAD compares: Non-Finnish European, 0.000085%; no homozygotes.

Submission:

GeneDx
Classification: Uncertain significance. Last evaluated: 2024-12-04. Review status: criteria provided, single submitter. Criteria: GeneDx Variant Classification Process June 2021. Collection method: clinical testing. Allele origin: germline. Affected: yes.
Comment: Not observed at significant frequency in large population cohorts (gnomAD); In silico analysis supports that this missense variant has a deleterious effect on protein structure/function; Has not been previously published as pathogenic or benign to our knowledge; Also known as H936Q

NM_001243133.2(NLRP3):c.2808C>A (p.His936Gln)

Gene: NLRP3 (NLR family pyrin domain containing 3; plus strand). Cytogenetic location: 1q44.
Variant type: single nucleotide variant.
Coding change: c.2808C>A on transcript NM_001243133.2 (MANE Select); coding-DNA position 2808, C replaced by A.
Protein change: p.His936Gln; replaces histidine 936 with glutamine.
Molecular consequence: missense variant.
Genome position (GRCh38, 1-based): chr1:247,444,116, C>A. VCF-style: chr1-247444116-C-A. GRCh37 (hg19) VCF-style: chr1-247607418-C-A.
Other names: c.2808C>A, p.His936Gln (NM_001079821.3); c.2637C>A, p.His879Gln (NM_001127461.3, NM_001127462.3); c.2814C>A, p.His938Gln (NM_004895.5); c.2466C>A, p.His822Gln (NM_183395.3); short protein forms H822Q, H879Q, H936Q, H938Q.
Identifiers: ClinVar variation 3901394 (VCV003901394.1).